The following is an entry in ClinVar:

ClinVar aggregate classification (germline): Uncertain significance (1 of 4 stars; one submission).

Conditions:
Cardiovascular phenotype. Identifiers: MedGen CN230736.

Allele frequency attached by ClinVar (database versions not stated): gnomAD exomes below 0.00001.
gnomAD v4.1: 1 of 1,613,880 alleles (0.000062%); highest among the groups gnomAD compares: Non-Finnish European, 0.000085%; no homozygotes.

Submission:

Ambry Genetics
Classification: Uncertain significance for Cardiovascular phenotype. Last evaluated: 2025-08-01. Review status: criteria provided, single submitter. Criteria: Ambry Variant Classification Scheme 2023. Collection method: clinical testing. Allele origin: germline.
Comment: The p.P175T variant (also known as c.523C>A), located in coding exon 5 of the SPRED1 gene, results from a C to A substitution at nucleotide position 523. The proline at codon 175 is replaced by threonine, an amino acid with highly similar properties. This amino acid position is conserved. In addition, this alteration is predicted to be tolerated by in silico analysis. Since supporting evidence is limited at this time, the clinical significance of this alteration remains unclear.

NM_152594.3(SPRED1):c.523C>A (p.Pro175Thr)

Gene: SPRED1 (sprouty related EVH1 domain containing 1; plus strand). Cytogenetic location: 15q14.
Variant type: single nucleotide variant.
Coding change: c.523C>A on transcript NM_152594.3 (MANE Select); coding-DNA position 523, C replaced by A.
Protein change: p.Pro175Thr; replaces proline 175 with threonine.
Molecular consequence: missense variant.
Genome position (GRCh38, 1-based): chr15:38,339,836, C>A. VCF-style: chr15-38339836-C-A. GRCh37 (hg19) VCF-style: chr15-38632037-C-A.
Other names: short protein forms P175T.
Identifiers: ClinVar variation 2587851 (VCV002587851.3), dbSNP rs2542723860, ClinGen allele CA391932618.